The following is an entry in ClinVar:

NM_005850.5(SF3B4):c.788dup (p.Pro264fs)

Gene: SF3B4 (splicing factor 3b subunit 4; minus strand). Cytogenetic location: 1q21.2.
Variant type: Duplication.
Coding change: c.788dup on transcript NM_005850.5 (MANE Select); coding-DNA position 788, one base duplicated (C; older notation c.788dupC).
Protein change: p.Pro264fs; shifts the reading frame from proline 264.
Molecular consequence: frameshift variant.
Genome position (GRCh38, 1-based): chr1:149,925,961, G duplicated on the plus strand (C on the coding strand, the reverse complement: SF3B4 is on the minus strand); the first of 5 consecutive G bases (chr1:149,925,961-149,925,965); duplicating any one gives the same sequence. VCF-style (leftmost placement, unchanged base first): chr1-149925960-T-TG. GRCh37 (hg19) VCF-style: chr1-149897852-T-TG.
Other names: short protein forms P264fs.
Identifiers: ClinVar variation 3363154 (VCV003363154.2).
Genomic context (GRCh38, chr1:149,925,960, plus strand): 5'-TGCCCCTGGGGTTCCTGCCGATGGGGGGCCATGTCCTGCAGCCCCAGGAGGCATAGGTGG[T>TG]GGGGGCATGGCTGGGGGTATCCCAGGTGGGAGGGCTCCAGGAGGTGGCACTGGGGGTGGG-3'

ClinVar aggregate classification (germline): Pathogenic/Likely pathogenic. Review status: criteria provided, multiple submitters, no conflicts (2 of 4 stars). 2 submissions from 2 submitters: Pathogenic (1); Likely pathogenic (1). Last evaluated 2024-09-10.

Conditions:
SF3B4-related disorder. Also called: SF3B4-related condition.
Nager syndrome (AFD1). Also called: Nager acrofacial dysostosis syndrome; Acrofacial Dysostosis 1, Nager Type; MANDIBULOFACIAL DYSOSTOSIS, TREACHER COLLINS TYPE, WITH LIMB ANOMALIES; Nager acrofacial dysostosis. Identifiers: Orphanet 245, MedGen C0265245, MONDO:0007943, OMIM 154400.

Submissions (2):

Clinical Genetics and Genomics, Karolinska University Hospital
Classification: Pathogenic for Nager syndrome. Last evaluated: 2024-09-10. Review status: criteria provided, single submitter. Criteria: ACMG Guidelines, 2015. Collection method: clinical testing. Allele origin: de novo. Affected: yes.

Blueprint Genetics
Classification: Likely pathogenic for SF3B4-related disorders. Last evaluated: 2017-07-06. Review status: criteria provided, single submitter. Criteria: ACMG Guidelines, 2015. Collection method: clinical testing. Allele origin: germline. Affected: yes. Observed: 1 variant allele.